The following is an entry in ClinVar:

ClinVar aggregate classification (germline): Likely benign. Review status: criteria provided, multiple submitters, no conflicts (2 of 4 stars). 3 submissions from 3 submitters: Likely benign (3). Last evaluated 2025-08-13.

Conditions:
CACNA1G-related disorder. Also called: CACNA1G-related condition; CACNA1G-related disorders.

Allele frequency attached by ClinVar (database versions not stated): ESP Exome Variant Server 0.00008; TOPMed 0.00008; gnomAD 0.00013; ExAC 0.00021.
gnomAD v4.1: 244 of 1,602,772 alleles (0.015%); highest among the groups gnomAD compares: Middle Eastern, 0.28%; 1 homozygote.

Submissions (3):

PreventionGenetics, part of Exact Sciences
Classification: Likely benign for CACNA1G-related condition. Last evaluated: 2025-08-13. Review status: criteria provided, single submitter. Criteria: ACMG Guidelines, 2015. Collection method: clinical testing. Allele origin: germline.
Comment: This variant is classified as likely benign based on ACMG/AMP sequence variant interpretation guidelines (Richards et al. 2015 PMID: 25741868, with internal and published modifications).

Labcorp Genetics (formerly Invitae), Labcorp
Classification: Likely benign. Last evaluated: 2025-05-12. Review status: criteria provided, single submitter. Criteria: Invitae Variant Classification Sherloc (09022015). Collection method: clinical testing. Allele origin: germline.

Blueprint Genetics
Classification: Likely benign. Last evaluated: 2024-07-25. Review status: criteria provided, single submitter. Criteria: ACMG Guidelines, 2015. Collection method: clinical testing. Allele origin: germline.

NM_018896.5(CACNA1G):c.5925+1G>A

Gene: CACNA1G (calcium voltage-gated channel subunit alpha1 G; plus strand). Cytogenetic location: 17q21.33.
Variant type: single nucleotide variant.
Coding change: c.5925+1G>A on transcript NM_018896.5 (MANE Select); the canonical splice donor site of the intron after coding-DNA position 5925, G replaced by A.
Molecular consequence: splice donor variant. On other transcripts: intron variant (20).
Genome position (GRCh38, 1-based): chr17:50,619,827, G>A. VCF-style: chr17-50619827-G-A. GRCh37 (hg19) VCF-style: chr17-48697188-G-A.
Other names: c.5802+819G>A (NM_001256325.2); c.5892+1G>A (NM_198377.3, NM_198380.3); c.5748+819G>A (NM_198378.3, NM_001256334.2); c.5925+1G>A (NM_198385.3, NM_018896.4); c.5781+819G>A (NM_198384.3, NM_001256333.2); c.5760+819G>A (NM_001256327.2); c.5871+1G>A (NM_001256324.2); c.5727+819G>A (NM_198386.3); and 12 more.
Identifiers: ClinVar variation 2067452 (VCV002067452.6), dbSNP rs56741967, ClinGen allele CA8653512.